The following is an entry in ClinVar:

NM_014874.4(MFN2):c.842G>C (p.Cys281Ser)

Gene: MFN2 (mitofusin 2; plus strand). Cytogenetic location: 1p36.22.
Variant type: single nucleotide variant.
Coding change: c.842G>C on transcript NM_014874.4 (MANE Select); coding-DNA position 842, G replaced by C.
Protein change: p.Cys281Ser; replaces cysteine 281 with serine.
Molecular consequence: missense variant.
Genome position (GRCh38, 1-based): chr1:12,001,426, G>C. VCF-style: chr1-12001426-G-C. GRCh37 (hg19) VCF-style: chr1-12061483-G-C.
Other names: p.C281S:TGT>TCT; c.842G>C, p.Cys281Ser (NM_001127660.2); short protein forms C281S.
Identifiers: ClinVar variation 214642 (VCV000214642.58), dbSNP rs147136530, ClinGen allele CA323589.

ClinVar aggregate classification (germline): Conflicting classifications of pathogenicity. Review status: criteria provided, conflicting classifications (1 of 4 stars). 14 submissions from 13 submitters: Uncertain significance (9); Likely benign (5). Last evaluated 2026-10-01.

Conditions:
MFN2-related disorder. Also called: MFN2-related condition; MFN2-related disorders.
Charcot-Marie-Tooth disease, axonal, autosomal recessive, type 2a2b;. Also called: Charcot-Marie-Tooth disease, axonal, type 2A2B; Charcot-Marie-Tooth disease, axonal, autosomal recessive, type 2A2B. Identifiers: MedGen C4310725, MONDO:0014906, OMIM 617087.
Charcot-Marie-Tooth disease type 2. Also called: Charcot-Marie-Tooth type 2. Identifiers: Orphanet 64746, MedGen C0270914, MONDO:0018993.
Optic atrophy. Identifiers: MedGen C0029124, MONDO:0003608, HP:0000648.
Inborn genetic diseases. Identifiers: MedGen C0950123, MeSH D030342.
Charcot-Marie-Tooth disease. Also called: Charcot-Marie-Tooth Hereditary Neuropathy; Charcot-Marie-Tooth Neuropathy. Identifiers: Orphanet 166, MedGen C0007959, MONDO:0015626.
Hereditary motor and sensory neuropathy with optic atrophy. Also called: CHARCOT-MARIE-TOOTH DISEASE, TYPE 6; PERIPHERAL NEUROPATHY AND OPTIC ATROPHY. Identifiers: Orphanet 90120, MedGen C0393807, MONDO:0019551.

Allele frequency attached by ClinVar (database versions not stated): ESP Exome Variant Server 0.00008; gnomAD 0.00010 and 0.00014; 1000 Genomes Project 30x 0.00016; TOPMed 0.00017; 1000 Genomes Project 0.00020; gnomAD exomes 0.00022 and 0.00037; ExAC 0.00032.
gnomAD v4.1: 358 of 1,613,878 alleles (0.022%); highest among the groups gnomAD compares: Middle Eastern, 0.4%; 2 homozygotes.

Submissions (14):

GeneDx
Classification: Uncertain significance. Last evaluated: 2026-10-01. Review status: criteria provided, single submitter. Criteria: GeneDx Variant Classification Process June 2021. Collection method: clinical testing. Allele origin: germline.
Comment: In silico analysis supports that this missense variant has a deleterious effect on protein structure/function; This variant is associated with the following publications: (PMID: 26257172, 32376792, 24863639, 39886061, 24126688)

Labcorp Genetics (formerly Invitae), Labcorp
Classification: Likely benign for Charcot-Marie-Tooth disease type 2. Last evaluated: 2025-12-31. Review status: criteria provided, single submitter. Criteria: Invitae Variant Classification Sherloc (09022015). Collection method: clinical testing. Allele origin: germline.

PreventionGenetics, part of Exact Sciences
Classification: Likely benign for MFN2-related condition. Last evaluated: 2025-09-17. Review status: criteria provided, single submitter. Criteria: ACMG Guidelines, 2015. Collection method: clinical testing. Allele origin: germline.
Comment: This variant is classified as likely benign based on ACMG/AMP sequence variant interpretation guidelines (Richards et al. 2015 PMID: 25741868, with internal and published modifications).

CeGaT Center for Human Genetics Tuebingen
Classification: Uncertain significance. Last evaluated: 2025-09-01. Review status: criteria provided, single submitter. Criteria: CeGaT Center For Human Genetics Tuebingen Variant Classification Criteria Version 2. Collection method: clinical testing. Allele origin: germline. Affected: yes. Observed: 3 variant alleles.
Comment: MFN2: PP3, BP5

Blueprint Genetics
Classification: Likely benign. Last evaluated: 2024-10-23. Review status: criteria provided, single submitter. Criteria: ACMG Guidelines, 2015. Collection method: clinical testing. Allele origin: germline.

Revvity Omics, Revvity
Classification: Uncertain significance. Last evaluated: 2023-11-20. Review status: criteria provided, single submitter. Criteria: ACMG Guidelines, 2015. Collection method: clinical testing. Allele origin: germline.

Ambry Genetics
Classification: Uncertain significance for Inborn genetic diseases. Last evaluated: 2022-01-31. Review status: criteria provided, single submitter. Criteria: Ambry Variant Classification Scheme 2023. Collection method: clinical testing. Allele origin: germline.
Comment: The p.C281S variant (also known as c.842G>C), located in coding exon 7 of the MFN2 gene, results from a G to C substitution at nucleotide position 842. The cysteine at codon 281 is replaced by serine, an amino acid with dissimilar properties. This amino acid position is highly conserved in available vertebrate species. In addition, this alteration is predicted to be deleterious by in silico analysis. Based on the supporting evidence, this variant is unlikely to be causative of autosomal dominant Charcot-Marie-Tooth disease (CMT) type 2A2A and hereditary motor and sensory neuropathy VIA; however, its contribution to the development of autosomal recessive Charcot-Marie-Tooth disease (CMT) type 2A2B is uncertain.

Baylor Genetics
Classification: Uncertain significance for Charcot-Marie-Tooth disease, axonal, autosomal recessive, type 2a2b;. Last evaluated: 2020-01-23. Review status: criteria provided, single submitter. Criteria: ACMG Guidelines, 2015. Collection method: clinical testing. Allele origin: unknown. Affected: yes.
Comment: This variant was determined to be of uncertain significance according to ACMG Guidelines, 2015 [PMID:25741868].

Institute of Human Genetics, Univ. Regensburg, Univ. Regensburg
Classification: Uncertain significance for Optic atrophy. Last evaluated: 2020-01-01. Review status: criteria provided, single submitter. Criteria: ACMG Guidelines, 2015. Collection method: clinical testing. Allele origin: germline. Affected: yes.

Mayo Clinic Laboratories, Mayo Clinic
Classification: Uncertain significance. Last evaluated: 2019-07-15. Review status: criteria provided, single submitter. Criteria: ACMG Guidelines, 2015. Collection method: clinical testing. Allele origin: germline. Observed: 1 variant allele.

Illumina Laboratory Services, Illumina
Classification: Likely benign for Charcot-Marie-Tooth disease, type 2. Last evaluated: 2017-04-27. Review status: criteria provided, single submitter. Criteria: ICSL Variant Classification Criteria 13 December 2019. Collection method: clinical testing. Allele origin: germline.
Comment: This variant was observed as part of a predisposition screen in an ostensibly healthy population. A literature search was performed for the gene, cDNA change, and amino acid change (where applicable). Publications were found based on this search. The evidence from the literature, in combination with allele frequency data from public databases where available, was sufficient to determine this variant is unlikely to cause disease. Therefore, this variant is classified as likely benign.

Illumina Laboratory Services, Illumina
Classification: Uncertain significance for Neuropathy, hereditary motor and sensory, type 6A. Last evaluated: 2017-04-27. Review status: criteria provided, single submitter. Criteria: ICSL Variant Classification Criteria 13 December 2019. Collection method: clinical testing. Allele origin: germline.

Athena Diagnostics
Classification: Likely benign. Last evaluated: 2016-12-19. Review status: criteria provided, single submitter. Criteria: Athena Diagnostics Criteria. Collection method: clinical testing. Allele origin: germline.

Molecular Genetics Laboratory, London Health Sciences Centre
Classification: Uncertain significance for Charcot-Marie-Tooth disease. Review status: criteria provided, single submitter. Criteria: ACMG Guidelines, 2015. Collection method: clinical testing. Allele origin: germline. Affected: yes.

Literature cited by the submitters: PubMed 26257172 (cited by 3 submitters); PubMed 24126688 (cited by 3 submitters); PubMed 32376792 (cited by Institute of Human Genetics, Univ. Regensburg, Univ. Regensburg).